The following is an entry in ClinVar:

NM_182931.3(KMT2E):c.4635_4643del (p.Pro1550_Pro1552del)

Gene: KMT2E (lysine methyltransferase 2E (inactive); plus strand). Cytogenetic location: 7q22.3.
Variant type: Deletion.
Coding change: c.4635_4643del on transcript NM_182931.3 (MANE Select); coding-DNA positions 4635 to 4643, 9 bases deleted (CCCTCCACC; older notation c.4635_4643delCCCTCCACC).
Protein change: p.Pro1550_Pro1552del.
Genome position (GRCh38, 1-based): chr7:105,112,391-105,112,399, CCCTCCACC deleted; deleting any 9 consecutive bases within chr7:105,112,386-105,112,399 gives the same sequence; the c. name uses the placement nearest the transcript's 3' end. VCF-style (leftmost placement, unchanged base first): chr7-105112385-ACCACCCCCT-A. GRCh37 (hg19) VCF-style: chr7-104752832-ACCACCCCCT-A.
Other names: c.4509_4517del, p.Pro1508_Pro1510del (NM_001410908.1); c.4635_4643del, p.Pro1550_Pro1552del (NM_018682.4).
Identifiers: ClinVar variation 4537555 (VCV004537555.1).

ClinVar aggregate classification (germline): Uncertain significance (1 of 4 stars; one submission).

Submission:

GeneDx
Classification: Uncertain significance. Last evaluated: 2025-06-12. Review status: criteria provided, single submitter. Criteria: GeneDx Variant Classification Process June 2021. Collection method: clinical testing. Allele origin: germline. Affected: yes.
Comment: In-frame deletion of 3 of amino acids in a repetitive region with no known function; Has not been previously published as pathogenic or benign to our knowledge